The following is an entry in ClinVar:

ClinVar aggregate classification (germline): Likely benign (1 of 4 stars; one submission).

Conditions:
Breast-ovarian cancer, familial, susceptibility to, 2 (BROVCA2). Also called: BRCA2 Hereditary Breast and Ovarian Cancer. Identifiers: Orphanet 145, MedGen C2675520, MONDO:0012933, OMIM 612555. Disease mechanism: loss of function.

gnomAD v4.1: 2 of 1,613,744 alleles (0.00012%); highest among the groups gnomAD compares: South Asian, 0.0022%; no homozygotes.

Submission:

Cancer Bioinformatics and Tumour Evolution Laboratory, Monash University
Classification: Likely benign for Breast-ovarian cancer, familial, susceptibility to, 2. Last evaluated: 2026-05-01. Review status: criteria provided, single submitter. Criteria: ClinGen BRCA1 and BRCA2 Guidelines, 2024. Collection method: curation. Allele origin: germline. Inheritance: Autosomal dominant inheritance.
Comment: Missense variant outside of a functional domain with no splice impact. BRCA1 and BRCA2 VCEP guidelines recommend application of BP1_Strong (PMID: 39142283)

NM_000059.4(BRCA2):c.2766C>A (p.Phe922Leu)

Gene: BRCA2 (BRCA2 DNA repair associated; plus strand). Cytogenetic location: 13q13.1.
Variant type: single nucleotide variant.
Coding change: c.2766C>A on transcript NM_000059.4 (MANE Select); coding-DNA position 2766, C replaced by A.
Protein change: p.Phe922Leu; replaces phenylalanine 922 with leucine.
Molecular consequence: missense variant. On other transcripts: non-coding transcript variant (1), intron variant (2).
Genome position (GRCh38, 1-based): chr13:32,337,121, C>A. VCF-style: chr13-32337121-C-A. GRCh37 (hg19) VCF-style: chr13-32911258-C-A.
Other names: c.2766C>A, p.Phe922Leu (NM_001406719.1, NM_001406720.1, NM_001432077.1); c.1909+3734C>A (NM_001406721.1); c.424+6091C>A (NM_001406722.1); short protein forms F922L.
Identifiers: ClinVar variation 4856459 (VCV004856459.1).